The following is an entry in ClinVar:

ClinVar aggregate classification (germline): Uncertain significance (1 of 4 stars; one submission).

gnomAD v4.1: 1 of 1,614,254 alleles (0.000062%); highest among the groups gnomAD compares: Non-Finnish European, 0.000085%; no homozygotes.

Submission:

CeGaT Center for Human Genetics Tuebingen
Classification: Uncertain significance. Last evaluated: 2025-07-01. Review status: criteria provided, single submitter. Criteria: CeGaT Center For Human Genetics Tuebingen Variant Classification Criteria Version 2. Collection method: clinical testing. Allele origin: germline. Affected: yes. Observed: 1 variant allele.
Comment: COL6A3: PM2

NM_004369.4(COL6A3):c.1672G>T (p.Gly558Cys)

Gene: COL6A3 (collagen type VI alpha 3 chain; minus strand). Cytogenetic location: 2q37.3.
Variant type: single nucleotide variant.
Coding change: c.1672G>T on transcript NM_004369.4 (MANE Select); coding-DNA position 1672, G replaced by T.
Protein change: p.Gly558Cys; replaces glycine 558 with cysteine.
Molecular consequence: missense variant.
Genome position (GRCh38, 1-based): chr2:237,381,140, C>A on the plus strand (G>T on the coding strand, the complement: COL6A3 is on the minus strand). VCF-style: chr2-237381140-C-A. GRCh37 (hg19) VCF-style: chr2-238289783-C-A.
Other names: c.1054G>T, p.Gly352Cys (NM_057167.4, NM_057165.5); c.451G>T, p.Gly151Cys (NM_057164.5, NM_057166.5); short protein forms G151C, G352C, G558C.
Identifiers: ClinVar variation 4085450 (VCV004085450.8).